The following is an entry in ClinVar:

ClinVar aggregate classification (germline): Pathogenic (1 of 4 stars; one submission).

Conditions:
Myofibrillar myopathy 5. Also called: FILAMINOPATHY, AUTOSOMAL DOMINANT; Filaminopathy (type). Identifiers: Orphanet 171445, MedGen C1836050, MONDO:0012289, OMIM 609524.
Distal myopathy with posterior leg and anterior hand involvement. Also called: WILLIAMS DISTAL MYOPATHY. Identifiers: Orphanet 63273, MedGen C3279722, MONDO:0013550, OMIM 614065.
Hypertrophic cardiomyopathy 26. Also called: Cardiomyopathy, familial hypertrophic, 26. Identifiers: Orphanet 75249, MedGen C4310749, MONDO:0014883, OMIM 617047.

Submission:

Labcorp Genetics (formerly Invitae), Labcorp
Classification: Pathogenic for Distal myopathy with posterior leg and anterior hand involvement; Myofibrillar myopathy 5; Hypertrophic cardiomyopathy 26. Last evaluated: 2023-04-17. Review status: criteria provided, single submitter. Criteria: Invitae Variant Classification Sherloc (09022015). Collection method: clinical testing. Allele origin: germline.
Comment: For these reasons, this variant has been classified as Pathogenic. ClinVar contains an entry for this variant (Variation ID: 859741). This variant has not been reported in the literature in individuals affected with FLNC-related conditions. This variant is not present in population databases (gnomAD no frequency). This sequence change creates a premature translational stop signal (p.His1139Thrfs*50) in the FLNC gene. It is expected to result in an absent or disrupted protein product. Loss-of-function variants in FLNC are known to be pathogenic (PMID: 27908349).

Literature cited by the submitters: PubMed 27908349.

NM_001458.5(FLNC):c.3415del (p.His1139fs)

Gene: FLNC (filamin C; plus strand). Cytogenetic location: 7q32.1.
Variant type: Deletion.
Coding change: c.3415del on transcript NM_001458.5 (MANE Select); coding-DNA position 3415, one base deleted (C; older notation c.3415delC).
Protein change: p.His1139fs; shifts the reading frame from histidine 1139.
Molecular consequence: frameshift variant.
Genome position (GRCh38, 1-based): chr7:128,844,880, C deleted; the last of 3 consecutive C bases (chr7:128,844,878-128,844,880); deleting any one gives the same sequence. VCF-style (leftmost placement, unchanged base first): chr7-128844877-GC-G. GRCh37 (hg19) VCF-style: chr7-128484931-GC-G.
Other names: c.3415del, p.His1139fs (NM_001127487.2); short protein forms H1139fs.
Identifiers: ClinVar variation 859741 (VCV000859741.8), dbSNP rs1808489575, ClinGen allele CA916082318.